The following is an entry in ClinVar:

NM_181507.2(HPS5):c.721C>A (p.Pro241Thr)

Gene: HPS5 (HPS5 biogenesis of lysosomal organelles complex 2 subunit 2; minus strand). Cytogenetic location: 11p15.1.
Variant type: single nucleotide variant.
Coding change: c.721C>A on transcript NM_181507.2 (MANE Select); coding-DNA position 721, C replaced by A.
Protein change: p.Pro241Thr; replaces proline 241 with threonine.
Molecular consequence: missense variant.
Genome position (GRCh38, 1-based): chr11:18,306,238, G>T on the plus strand (C>A on the coding strand, the complement: HPS5 is on the minus strand). VCF-style: chr11-18306238-G-T. GRCh37 (hg19) VCF-style: chr11-18327785-G-T.
Other names: c.379C>A, p.Pro127Thr (NM_007216.4, NM_181508.2); short protein forms P241T, P127T.
Identifiers: ClinVar variation 1995569 (VCV001995569.1), dbSNP rs760927340, ClinGen allele CA379502464.

ClinVar aggregate classification (germline): Uncertain significance (1 of 4 stars; one submission).

gnomAD v4.1: 4 of 1,613,918 alleles (0.00025%); highest among the groups gnomAD compares: Non-Finnish European, 0.00034%; no homozygotes.

Submission:

Labcorp Genetics (formerly Invitae), Labcorp
Classification: Uncertain significance. Last evaluated: 2022-06-14. Review status: criteria provided, single submitter. Criteria: Invitae Variant Classification Sherloc (09022015). Collection method: clinical testing. Allele origin: germline.
Comment: This sequence change replaces proline, which is neutral and non-polar, with threonine, which is neutral and polar, at codon 241 of the HPS5 protein (p.Pro241Thr). This variant is present in population databases (no rsID available, gnomAD 0.0009%). This variant has not been reported in the literature in individuals affected with HPS5-related conditions. Algorithms developed to predict the effect of missense changes on protein structure and function are either unavailable or do not agree on the potential impact of this missense change (SIFT: "Deleterious"; PolyPhen-2: "Probably Damaging"; Align-GVGD: "Class C0"). In summary, the available evidence is currently insufficient to determine the role of this variant in disease. Therefore, it has been classified as a Variant of Uncertain Significance.